The following is an entry in ClinVar:

ClinVar aggregate classification (germline): Conflicting classifications of pathogenicity. Review status: criteria provided, conflicting classifications (1 of 4 stars). 6 submissions from 6 submitters: Pathogenic (2); Likely pathogenic (3); Uncertain significance (1). Last evaluated 2025-10-13.

Conditions:
Deficiency of butyrylcholinesterase (BCHED). Also called: BCHE, silent 1; Acholinesterasemia; Butyrylcholinesterase deficiency; Deficiency of butyrylcholine esterase. Identifiers: Orphanet 132, MedGen C1283400, MONDO:0015270, OMIM 617936.

Allele frequency attached by ClinVar (database versions not stated): 1000 Genomes Project 30x 0.00062; ESP Exome Variant Server 0.00024; gnomAD 0.00031 and 0.00033; gnomAD exomes 0.00034 and 0.00052; ExAC 0.00059.

Submissions (6):

Dasa
Classification: Pathogenic. Last evaluated: 2025-10-13. Review status: criteria provided, single submitter. Criteria: DASA Assertion Criteria. Collection method: clinical testing. Allele origin: germline.
Comment: NM_000055.4(BCHE):c.435_436insG (p.Phe146Valfs*12) introduces a premature termination codon predicted to result in loss of normal protein function. Loss-of-function is an established mechanism of disease for this gene. Segregation evidence has been reported in affected families. This variant has been recurrently observed in affected individuals with related phenotype in a genotype context consistent with recessive disease (PMID: 7760318; PMID: 2339692; PMID: 27017361). The variant is present at low frequency in population datasets. Based on the available data, this variant is classified as pathogenic.

Genomic Medicine Center of Excellence, King Faisal Specialist Hospital and Research Centre
Classification: Likely pathogenic for Deficiency of butyrylcholinesterase. Last evaluated: 2025-09-10. Review status: criteria provided, single submitter. Criteria: ACMG Guidelines, 2015. Collection method: clinical testing. Allele origin: germline.

Department of Pathology and Laboratory Medicine, Sinai Health System
Classification: Likely pathogenic for butyrylcholinesterase deficiency. Last evaluated: 2023-09-28. Review status: criteria provided, single submitter. Criteria: ACMG Guidelines, 2015. Collection method: research. Allele origin: germline.

Illumina Laboratory Services, Illumina
Classification: Pathogenic. Last evaluated: 2022-10-07. Review status: criteria provided, single submitter. Criteria: ICSL CNVClassificationCriteria Aug2020. Collection method: clinical testing. Allele origin: unknown. Affected: yes.
Comment: The BCHE c.435_436insG (p.Phe146ValfsTer12) variant results in the insertion of a nucleotide at position c.435, causing a shift in the protein reading frame that is predicted to result in premature termination of the protein. Loss of normal protein function through either protein truncation or nonsense-mediated mRNA decay is expected. To our knowledge, this variant has not been reported in the peer-reviewed literature. However, a different variant at the same nucleotide position, c.435delTinsAG, which produces an identical protein consequence (p.Phe146ValfsTer12) has been reported in at least three studies (PMID: 2339692; PMID: 7760318; PMID: 27017361). This variant is reported in the Genome Aggregation Database at a frequency of 0.004921 in the Ashkenazi Jewish population (version 2.1.1). Based on the available evidence, the c.435_436insG (p.Phe146ValfsTer12) variant is classified as pathogenic for butyrylcholinesterase deficiency.

Clinical Genetics Laboratory, Skane University Hospital Lund
Classification: Likely pathogenic. Last evaluated: 2022-05-27. Review status: criteria provided, single submitter. Criteria: ACMG Guidelines, 2015. Collection method: clinical testing. Allele origin: germline. Affected: yes.

Breakthrough Genomics
Classification: Uncertain significance. Review status: criteria provided, single submitter. Criteria: ACMG Guidelines, 2015. Collection method: not provided. Allele origin: germline. Inheritance: Autosomal recessive inheritance. Affected: yes.

Literature cited by the submitters: PubMed 7760318 (cited by Dasa and Illumina Laboratory Services, Illumina); PubMed 2339692 (cited by Dasa and Illumina Laboratory Services, Illumina); PubMed 27017361 (cited by Dasa and Illumina Laboratory Services, Illumina).

NM_000055.4(BCHE):c.435_436insG (p.Phe146fs)

Gene: BCHE (butyrylcholinesterase; minus strand). Cytogenetic location: 3q26.1.
Variant type: Insertion.
Coding change: c.435_436insG on transcript NM_000055.4 (MANE Select); coding-DNA positions 435 to 436, G inserted.
Protein change: p.Phe146fs; shifts the reading frame from phenylalanine 146.
Molecular consequence: frameshift variant. On other transcripts: non-coding transcript variant (1).
Genome position: GRCh38 VCF-style: chr3-165830598-A-AC. GRCh37 (hg19) VCF-style: chr3-165548386-A-AC.
Other names: short protein forms F146fs.
Identifiers: ClinVar variation 344096 (VCV000344096.11), dbSNP rs774072493, ClinGen allele CA2692511.